The following is an entry in ClinVar:

ClinVar aggregate classification (germline): Benign (1 of 4 stars; one submission).

Conditions:
Platelet-type bleeding disorder 9 (BDPLT9). Also called: GLYCOPROTEIN Ia DEFICIENCY; GP Ia DEFICIENCY; COLLAGEN PLATELET RECEPTOR DEFICIENCY. Identifiers: Orphanet 73271, Orphanet 98886, MedGen C3280114, MONDO:0013622, OMIM 614200.

Allele frequency attached by ClinVar (database versions not stated): TOPMed 0.00048; gnomAD 0.00049 and 0.00053; 1000 Genomes Project 0.00140; 1000 Genomes Project 30x 0.00141.

Submission:

Illumina Laboratory Services, Illumina
Classification: Benign for Platelet-type bleeding disorder 9. Last evaluated: 2018-01-13. Review status: criteria provided, single submitter. Criteria: ICSL Variant Classification Criteria 13 December 2019. Collection method: clinical testing. Allele origin: germline.
Comment: This variant was observed in the ICSL laboratory as part of a predisposition screen in an ostensibly healthy population. It had not been previously curated by ICSL or reported in the Human Gene Mutation Database (HGMD: prior to June 1st, 2018), and was therefore a candidate for classification through an automated scoring system. Utilizing variant allele frequency, disease prevalence and penetrance estimates, and inheritance mode, an automated score was calculated to assess if this variant is too frequent to cause the disease. Based on the score and internal cut-off values, a variant classified as benign is not then subjected to further curation. The score for this variant resulted in a classification of benign for this disease.

NM_002203.4(ITGA2):c.*707G>C

Gene: ITGA2 (integrin subunit alpha 2; plus strand). Cytogenetic location: 5q11.2.
Variant type: single nucleotide variant.
Coding change: c.*707G>C on transcript NM_002203.4 (MANE Select); 707 bases downstream of the stop codon, G replaced by C.
Molecular consequence: 3 prime UTR variant. On other transcripts: non-coding transcript variant (5).
Genome position (GRCh38, 1-based): chr5:53,091,306, G>C. VCF-style: chr5-53091306-G-C. GRCh37 (hg19) VCF-style: chr5-52387136-G-C.
Identifiers: ClinVar variation 908015 (VCV000908015.4), dbSNP rs191591133, ClinGen allele CA118880150.
Genomic context (GRCh38, chr5:53,091,306, plus strand): 5'-CATGCTTGAATAACTGAGCTTAGAGTATACCTCCTATATGTCCATTTAAGTTAGGAGAGG[G>C]GGCGATATAGAGAATAAGGCACAAAATTTTGTTTAAAACTCAGAATATAACATGTAAAAT-3'